The following is an entry in ClinVar:

NM_000384.3(APOB):c.6587T>C (p.Ile2196Thr)

Gene: APOB (apolipoprotein B; minus strand). Cytogenetic location: 2p24.1.
Variant type: single nucleotide variant.
Coding change: c.6587T>C on transcript NM_000384.3 (MANE Select); coding-DNA position 6587, T replaced by C.
Protein change: p.Ile2196Thr; replaces isoleucine 2196 with threonine.
Molecular consequence: missense variant.
Genome position (GRCh38, 1-based): chr2:21,010,281, A>G on the plus strand (T>C on the coding strand, the complement: APOB is on the minus strand). VCF-style: chr2-21010281-A-G. GRCh37 (hg19) VCF-style: chr2-21233153-A-G.
Other names: short protein forms I2196T.
Identifiers: ClinVar variation 4613667 (VCV004613667.1).

ClinVar aggregate classification (germline): Uncertain significance (1 of 4 stars; one submission).

Conditions:
Cardiovascular phenotype. Identifiers: MedGen CN230736.

gnomAD v4.1: 5 of 1,551,074 alleles (0.00032%); highest among the groups gnomAD compares: Non-Finnish European, 0.00043%; no homozygotes.

Submission:

Ambry Genetics
Classification: Uncertain significance for Cardiovascular phenotype. Last evaluated: 2025-10-26. Review status: criteria provided, single submitter. Criteria: Ambry Variant Classification Scheme 2023. Collection method: clinical testing. Allele origin: germline.
Comment: The p.I2196T variant (also known as c.6587T>C), located in coding exon 26 of the APOB gene, results from a T to C substitution at nucleotide position 6587. The isoleucine at codon 2196 is replaced by threonine, an amino acid with similar properties. This amino acid position is conserved. In addition, this alteration is predicted to be tolerated by in silico analysis. Based on the available evidence, the clinical significance of this variant remains unclear.